The following is an entry in ClinVar:

NM_000313.4(PROS1):c.49dup (p.Leu17fs)

Gene: PROS1 (protein S; minus strand). Cytogenetic location: 3q11.1.
Variant type: Duplication.
Coding change: c.49dup on transcript NM_000313.4 (MANE Select); coding-DNA position 49, one base duplicated (C; older notation c.49dupC).
Protein change: p.Leu17fs; shifts the reading frame from leucine 17.
Molecular consequence: frameshift variant.
Genome position (GRCh38, 1-based): chr3:93,973,701, G duplicated on the plus strand (C on the coding strand, the reverse complement: PROS1 is on the minus strand); the first of 2 consecutive G bases (chr3:93,973,701-93,973,702); duplicating either gives the same sequence. VCF-style (leftmost placement, unchanged base first): chr3-93973700-A-AG. GRCh37 (hg19) VCF-style: chr3-93692544-A-AG.
Other names: c.49dup, p.Leu17fs (NM_001314077.2); c.49dupC (NM_000313.3); short protein forms L17fs.
Identifiers: ClinVar variation 627080 (VCV000627080.5), dbSNP rs1575904540, ClinGen allele CA915941524.

ClinVar aggregate classification (germline): Likely pathogenic. Review status: criteria provided, multiple submitters, no conflicts (2 of 4 stars). 2 submissions from 2 submitters: Likely pathogenic (2). Last evaluated 2019-02-01.

Conditions:
Thrombophilia due to protein S deficiency, autosomal dominant (THPH5). Identifiers: Orphanet 26349, Orphanet 743, MedGen C3278211, MONDO:0012868, OMIM 612336. Disease mechanism: loss of function.
Protein S deficiency disease. Also called: Protein S deficiency. Identifiers: MedGen C0242666, MeSH D018455, MONDO:0002304.

Submissions (2):

NIHR Bioresource Rare Diseases, University of Cambridge
Classification: Likely pathogenic for Reduced protein S activity. Last evaluated: 2019-02-01. Review status: criteria provided, single submitter. Criteria: ACMG Guidelines, 2015. Collection method: research. Allele origin: unknown. Affected: yes. Observed: 1 heterozygote. Study: ThromboGenomics.

ISTH-SSC Genomics in Thrombosis and Hemostasis, KU Leuven, Center for Molecular and Vascular Biology
Classification: Likely pathogenic for Thrombophilia due to protein S deficiency, autosomal dominant. Review status: criteria provided, single submitter. Criteria: ACMG Guidelines, 2015. Collection method: clinical testing. Allele origin: germline. Affected: yes. Observed: 1 heterozygote.
Comment: Submitted to the GoldVariant database by Kathleen Freson, Center for Molecular and Vascular Biology

Literature cited by the submitters: PubMed 31064749 (cited by NIHR Bioresource Rare Diseases, University of Cambridge).